The following is an entry in ClinVar:

NM_194248.3(OTOF):c.1228G>A (p.Val410Met)

Gene: OTOF (otoferlin; minus strand). Cytogenetic location: 2p23.3.
Variant type: single nucleotide variant.
Coding change: c.1228G>A on transcript NM_194248.3 (MANE Select); coding-DNA position 1228, G replaced by A.
Protein change: p.Val410Met; replaces valine 410 with methionine.
Molecular consequence: missense variant.
Genome position (GRCh38, 1-based): chr2:26,483,626, C>T on the plus strand (G>A on the coding strand, the complement: OTOF is on the minus strand). VCF-style: chr2-26483626-C-T. GRCh37 (hg19) VCF-style: chr2-26706494-C-T.
Other names: c.1228G>A, p.Val410Met (NM_001287489.2); short protein forms V410M.
Identifiers: ClinVar variation 4879956 (VCV004879956.1).
Genomic context (GRCh38, chr2:26,483,626, plus strand): 5'-GCAGCCCCTCTGCTCGGTAAATTTTCACATAGAACCGGGCCCACTGGCGTTCGGGGGGCA[C>T]CCCCTCGGGGAGCAGCAAGTTCCTGCCAGCACATACAGCCAGGGCCATGGTCACCAGGTC-3'
Protein context (NP_919224.1, residues 400-420): IEGNLLLPEG[Val410Met]PPERQWARFY

ClinVar aggregate classification (germline): VUS-mid (0 of 4 stars; one submission).

Conditions:
Autosomal recessive nonsyndromic hearing loss 9. Also called: NEUROSENSORY NONSYNDROMIC RECESSIVE DEAFNESS 9; OTOF-Related Hearing Loss; Deafness, autosomal recessive 9; AUDITORY NEUROPATHY, AUTOSOMAL RECESSIVE, 1, TEMPERATURE-SENSITIVE. Identifiers: Orphanet 90636, MedGen C1832828, MONDO:0010986, OMIM 601071.

gnomAD v4.1: 1 of 1,612,524 alleles (0.000062%); highest among the groups gnomAD compares: Non-Finnish European, 0.000085%; no homozygotes.

Submission:

Diagnosis and Treatment Center of Genetic Hearing Loss, Eye & ENT Hospital of Fudan University
Classification: VUS-mid for Autosomal recessive nonsyndromic hearing loss 9. Last evaluated: 2026-02-04. Review status: no assertion criteria provided. Collection method: clinical testing. Allele origin: germline. Inheritance: Autosomal recessive inheritance. Affected: yes.
Comment: The c.1228G>A missense variant in OTOF is absent from population databases (PM2_Supporting). The phenotype is consistent with auditory neuropathy (PP4). The REVEL score is 0.572.